The following is an entry in ClinVar:

NM_206926.2(SELENON):c.*1306G>A

Gene: SELENON (selenoprotein N; plus strand). Cytogenetic location: 1p36.11.
Variant type: single nucleotide variant.
Coding change: c.*1306G>A on transcript NM_206926.2 (MANE Select); 1306 bases downstream of the stop codon, G replaced by A.
Molecular consequence: 3 prime UTR variant.
Genome position (GRCh38, 1-based): chr1:25,817,024, G>A. VCF-style: chr1-25817024-G-A. GRCh37 (hg19) VCF-style: chr1-26143515-G-A.
Other names: c.*1306G>A (NM_020451.3).
Identifiers: ClinVar variation 297046 (VCV000297046.5), dbSNP rs117198314, ClinGen allele CA10609785.

ClinVar aggregate classification (germline): Likely benign (1 of 4 stars; one submission).

Conditions:
SEPN1-related disorder. Also called: SEPN1-Related Disorders. Identifiers: MedGen CN239420.

Allele frequency attached by ClinVar (database versions not stated): gnomAD 0.00138 and 0.00223; 1000 Genomes Project 30x 0.01234; 1000 Genomes Project 0.01098; TOPMed 0.00209.

Submission:

Illumina Laboratory Services, Illumina
Classification: Likely benign for SEPN1-Related Disorders. Last evaluated: 2017-04-27. Review status: criteria provided, single submitter. Criteria: ICSL Variant Classification Criteria 13 December 2019. Collection method: clinical testing. Allele origin: germline.
Comment: This variant was observed as part of a predisposition screen in an ostensibly healthy population. A literature search was performed for the gene, cDNA change, and amino acid change (where applicable). No publications were found based on this search. Allele frequency data from public databases allowed determination this variant is unlikely to cause disease. Therefore, this variant is classified as likely benign.